The following is an entry in ClinVar:

ClinVar aggregate classification (germline): Uncertain significance (1 of 4 stars; one submission).

Conditions:
Ehlers-Danlos syndrome, classic type, 1 (EDSCL1). Also called: EDS I; EHLERS-DANLOS SYNDROME, GRAVIS TYPE; EHLERS-DANLOS SYNDROME, SEVERE CLASSIC TYPE; Ehlers-Danlos syndrome, type 1; Ehlers-Danlos Syndrome, Classic Type, COL5A1-Related. Identifiers: MedGen C0268335, MONDO:0019567, OMIM 130000.

Submission:

Labcorp Genetics (formerly Invitae), Labcorp
Classification: Uncertain significance for Ehlers-Danlos syndrome, classic type, 1. Last evaluated: 2023-08-30. Review status: criteria provided, single submitter. Criteria: Invitae Variant Classification Sherloc (09022015). Collection method: clinical testing. Allele origin: germline.
Comment: This variant has not been reported in the literature in individuals affected with COL5A1-related conditions. In summary, the available evidence is currently insufficient to determine the role of this variant in disease. Therefore, it has been classified as a Variant of Uncertain Significance. Experimental studies and prediction algorithms are not available or were not evaluated, and the effect of this variant on mRNA splicing is currently unknown. Information on the frequency of this variant in the gnomAD database is not available, as this variant may be reported differently in the database. This sequence change falls in intron 34 of the COL5A1 gene. It does not directly change the encoded amino acid sequence of the COL5A1 protein.

NM_000093.5(COL5A1):c.2799+12_2799+13delinsCT

Gene: COL5A1 (collagen type V alpha 1 chain; plus strand). Cytogenetic location: 9q34.3.
Variant type: Indel.
Coding change: c.2799+12_2799+13delinsCT on transcript NM_000093.5 (MANE Select); bases 12 to 13 of the intron after coding-DNA position 2799, GC replaced by CT.
Molecular consequence: intron variant.
Genome position (GRCh38, 1-based): chr9:134,795,327-134,795,328, GC replaced by CT. VCF-style: chr9-134795327-GC-CT. GRCh37 (hg19) VCF-style: chr9-137687173-GC-CT.
Other names: c.2799+12_2799+13delinsCT (NM_001278074.1).
Identifiers: ClinVar variation 2918354 (VCV002918354.3), dbSNP rs2490762860, ClinGen allele CA2739265189.